The following is an entry in ClinVar:

NM_018699.4(PRDM5):c.1513dup (p.Arg505fs)

Gene: PRDM5 (PR/SET domain 5; minus strand). Cytogenetic location: 4q27.
Variant type: Duplication.
Coding change: c.1513dup on transcript NM_018699.4 (MANE Select); coding-DNA position 1513, one base duplicated (A; older notation c.1513dupA).
Protein change: p.Arg505fs; shifts the reading frame from arginine 505.
Molecular consequence: frameshift variant.
Genome position (GRCh38, 1-based): chr4:120,777,212, T duplicated on the plus strand (A on the coding strand, the reverse complement: PRDM5 is on the minus strand). VCF-style (leftmost placement, unchanged base first): chr4-120777211-C-CT. GRCh37 (hg19) VCF-style: chr4-121698366-C-CT.
Other names: c.1513dupA (NM_018699.3, NM_018699.2); c.1420dup, p.Arg474fs (NM_001300823.2, NM_001300824.2, NM_001379106.1); c.1546dup, p.Arg516fs (NM_001379104.1); short protein forms R474fs, R505fs, R516fs.
Identifiers: ClinVar variation 1710895 (VCV001710895.17), dbSNP rs1409037310, ClinGen allele CA441080638.
Genomic context (GRCh38, chr4:120,777,211, plus strand): 5'-AGTGGTTTTTTCACTAGTCTAATTACAATCTCCATACCTGTGTGGCTCCGGATATGAACT[C>CT]TGAGTGTACCACTGCTGGCAAATTTCTGGCCACAATATGGACAGATTTTCTCCTTTTCTC-3'

ClinVar aggregate classification (germline): Pathogenic/Likely pathogenic. Review status: criteria provided, multiple submitters, no conflicts (2 of 4 stars). 6 submissions from 6 submitters: Pathogenic (4); Likely pathogenic (2). Last evaluated 2026-01-09.

Conditions:
Brittle cornea syndrome 2 (BCS2). Identifiers: Orphanet 90354, MedGen C3280011, MONDO:0013605, OMIM 614170.
Cardiovascular phenotype. Identifiers: MedGen CN230736.

Allele frequency attached by ClinVar (database versions not stated): gnomAD exomes 0.00002; TOPMed 0.00002; gnomAD 0.00003.

Submissions (6):

Labcorp Genetics (formerly Invitae), Labcorp
Classification: Pathogenic. Last evaluated: 2026-01-09. Review status: criteria provided, single submitter. Criteria: Invitae Variant Classification Sherloc (09022015). Collection method: clinical testing. Allele origin: germline.
Comment: This sequence change creates a premature translational stop signal (p.Arg505Lysfs*10) in the PRDM5 gene. It is expected to result in an absent or disrupted protein product. Loss-of-function variants in PRDM5 are known to be pathogenic (PMID: 21664999, 26395458). This variant is present in population databases (no rsID available, gnomAD 0.007%). This variant has not been reported in the literature in individuals affected with PRDM5-related conditions. ClinVar contains an entry for this variant (Variation ID: 1710895). For these reasons, this variant has been classified as Pathogenic.

Variantyx, Inc.
Classification: Likely pathogenic for Brittle cornea syndrome 2. Last evaluated: 2025-12-26. Review status: criteria provided, single submitter. Criteria: Variantyx Assertion Criteria 2022. Collection method: clinical testing. Allele origin: germline. Inheritance: Autosomal recessive inheritance. Affected: no.
Comment: This is a frameshift variant in the PRDM5 gene (OMIM: 614161). Pathogenic variants in this gene have been associated with autosomal recessive brittle cornea syndrome 2. This variant introduces a premature termination codon in exon 13 out of 16 and is expected to result in loss of function, which is a known disease mechanism for PRDM5 in this disorder (PMID: 21664999) (PVS1). This variant has a 0.0023% maximum allele frequency in non-founder control populations (PM2). Based on the current evidence, this variant is classified as likely pathogenic for autosomal recessive brittle cornea syndrome 2.

Ambry Genetics
Classification: Pathogenic for Cardiovascular phenotype. Last evaluated: 2025-07-08. Review status: criteria provided, single submitter. Criteria: Ambry Variant Classification Scheme 2023. Collection method: clinical testing. Allele origin: germline.
Comment: The c.1513dupA pathogenic mutation, located in coding exon 13 of the PRDM5 gene, results from a duplication of A at nucleotide position 1513, causing a translational frameshift with a predicted alternate stop codon (p.R505Kfs*10). This alteration is expected to result in loss of function by premature protein truncation or nonsense-mediated mRNA decay. As such, this alteration is interpreted as a disease-causing mutation.

CeGaT Center for Human Genetics Tuebingen
Classification: Pathogenic. Last evaluated: 2025-05-01. Review status: criteria provided, single submitter. Criteria: CeGaT Center For Human Genetics Tuebingen Variant Classification Criteria Version 2. Collection method: clinical testing. Allele origin: germline. Affected: yes. Observed: 1 variant allele.
Comment: PRDM5: PVS1, PM2

Women's Health and Genetics/Laboratory Corporation of America, LabCorp
Classification: Likely pathogenic for Brittle cornea syndrome 2. Last evaluated: 2023-02-20. Review status: criteria provided, single submitter. Criteria: LabCorp Variant Classification Summary - May 2015. Collection method: clinical testing. Allele origin: germline.
Comment: Variant summary: PRDM5 c.1513dupA (p.Arg505LysfsX10) results in a premature termination codon, predicted to cause a truncation of the encoded protein or absence of the protein due to nonsense mediated decay, which are commonly known mechanisms for disease. Truncations downstream of this position have been reported in HGMD in association with Brittle cornea syndrome and Osteogenesis imperfecta. The variant was absent in 250962 control chromosomes. To our knowledge, no occurrence of c.1513dupA in individuals affected with Brittle Cornea Syndrome 2 and no experimental evidence demonstrating its impact on protein function have been reported. One clinical diagnostic laboratory has submitted clinical-significance assessments for this variant to ClinVar after 2014 without evidence for independent evaluation. One laboratory classified the variant as pathogenic. Based on the evidence outlined above, the variant was classified as likely pathogenic.

GeneDx
Classification: Pathogenic. Last evaluated: 2022-10-13. Review status: criteria provided, single submitter. Criteria: GeneDx Variant Classification Process June 2021. Collection method: clinical testing. Allele origin: germline. Affected: yes.
Comment: Frameshift variant predicted to result in protein truncation or nonsense mediated decay in a gene for which loss of function is a known mechanism of disease; Not observed at significant frequency in large population cohorts (gnomAD); Has not been previously published as pathogenic or benign to our knowledge

Literature cited by the submitters: PubMed 21664999 (cited by Labcorp Genetics (formerly Invitae), Labcorp and Variantyx, Inc.); PubMed 26395458 (cited by Labcorp Genetics (formerly Invitae), Labcorp).